The following is an entry in ClinVar:

ClinVar aggregate classification (germline): Likely benign (0 of 4 stars; one submission).

Conditions:
KIF26B-related disorder. Also called: KIF26B-related condition.

Allele frequency attached by ClinVar (database versions not stated): gnomAD exomes 0.00010; ExAC 0.00025; 1000 Genomes Project 30x 0.00047; ESP Exome Variant Server 0.00057; 1000 Genomes Project 0.00060; TOPMed 0.00095; gnomAD 0.00096.
gnomAD v4.1: 301 of 1,612,870 alleles (0.019%); highest among the groups gnomAD compares: African/African-American, 0.35%; 1 homozygote.

Submission:

PreventionGenetics, part of Exact Sciences
Classification: Likely benign for KIF26B-related condition. Last evaluated: 2019-07-12. Review status: no assertion criteria provided. Collection method: clinical testing. Allele origin: germline.
Comment: This variant is classified as likely benign based on ACMG/AMP sequence variant interpretation guidelines (Richards et al. 2015 PMID: 25741868, with internal and published modifications).

NM_018012.4(KIF26B):c.2757C>T (p.Asp919=)

Gene: KIF26B (kinesin family member 26B; plus strand). Cytogenetic location: 1q44.
Variant type: single nucleotide variant.
Coding change: c.2757C>T on transcript NM_018012.4 (MANE Select); coding-DNA position 2757, C replaced by T.
Protein change: p.Asp919=; no amino-acid change (aspartic acid 919 retained).
Molecular consequence: synonymous variant.
Genome position (GRCh38, 1-based): chr1:245,685,740, C>T. VCF-style: chr1-245685740-C-T. GRCh37 (hg19) VCF-style: chr1-245849042-C-T.
Identifiers: ClinVar variation 3049806 (VCV003049806.2), dbSNP rs371121385, ClinGen allele CA1488087.